The following is an entry in ClinVar:

NM_014140.4(SMARCAL1):c.2321C>A (p.Ser774Ter)

Gene: SMARCAL1 (SNF2 related chromatin remodeling annealing helicase 1; plus strand). Cytogenetic location: 2q35.
Variant type: single nucleotide variant.
Coding change: c.2321C>A on transcript NM_014140.4 (MANE Select); coding-DNA position 2321, C replaced by A.
Protein change: p.Ser774Ter; replaces serine 774 with a stop codon.
Molecular consequence: nonsense.
Genome position (GRCh38, 1-based): chr2:216,475,345, C>A. VCF-style: chr2-216475345-C-A. GRCh37 (hg19) VCF-style: chr2-217340068-C-A.
Other names: c.2321C>A, p.Ser774Ter (NM_001127207.2); short protein forms S774*.
Identifiers: ClinVar variation 463148 (VCV000463148.10), dbSNP rs149425324, ClinGen allele CA2098174.
Genomic context (GRCh38, chr2:216,475,345, plus strand): 5'-GCATCGATGGCTCCACCTCATCAGCTGAGCGGGAGGACCTGTGCCAGCAGTTCCAACTGT[C>A]GGAGAGGCATGCTGTGGCCGTGCTGTCCATCACCGCTGCCAATATGGGCCTCACCTTCTC-3'

ClinVar aggregate classification (germline): Pathogenic. Review status: criteria provided, multiple submitters, no conflicts (2 of 4 stars). 3 submissions from 3 submitters: Pathogenic (3). Last evaluated 2025-12-29.

Conditions:
Schimke immuno-osseous dysplasia (SIOD). Also called: Schimke Immunoosseous Dysplasia. Identifiers: Orphanet 1830, MedGen C0877024, MONDO:0009458, OMIM 242900.

Allele frequency attached by ClinVar (database versions not stated): ESP Exome Variant Server 0.00008.
gnomAD v4.1: 4 of 1,614,188 alleles (0.00025%); highest among the groups gnomAD compares: Non-Finnish European, 0.00034%; no homozygotes.

Submissions (3):

Natera, Inc.
Classification: Pathogenic for Schimke immuno-osseous dysplasia. Last evaluated: 2025-12-29. Review status: criteria provided, single submitter. Criteria: Natera Variant Classification Schema (03/2026). Collection method: clinical testing. Allele origin: germline.
Comment: The c.2321C>A variant in SMARCAL1 is a nonsense variant predicted to introduce a stop codon at amino acid 774. This variant is expected to result in nonsense mediated decay, truncation, or a dysfunctional protein product. This variant is rare in the general population with a frequency below the threshold expected for the associated phenotype(s). This variant has been observed in one or more individuals affected with the associated recessive disease, as either homozygous or compound heterozygous with a second variant (PMID: 22998683). Given the available evidence, this variant is classified as Pathogenic.

Women's Health and Genetics/Laboratory Corporation of America, LabCorp
Classification: Pathogenic for Schimke immuno-osseous dysplasia. Last evaluated: 2025-06-12. Review status: criteria provided, single submitter. Criteria: LabCorp Variant Classification Summary - May 2015. Collection method: clinical testing. Allele origin: germline.
Comment: Variant summary: SMARCAL1 c.2321C>A (p.Ser774X) results in a premature termination codon, predicted to cause a truncation of the encoded protein or absence of the protein due to nonsense mediated decay, which are commonly known mechanisms for disease. The variant allele was found at a frequency of 8e-06 in 251442 control chromosomes (gnomAD). c.2321C>A has been observed in individuals affected with Schimke Immunoosseous Dysplasia (Boerkoel_2002). These data indicate that the variant may be associated with disease. To our knowledge, no experimental evidence demonstrating an impact on protein function has been reported. The following publication have been ascertained in the context of this evaluation (PMID: 11799392). ClinVar contains an entry for this variant (Variation ID: 463148). Based on the evidence outlined above, the variant was classified as pathogenic.

Labcorp Genetics (formerly Invitae), Labcorp
Classification: Pathogenic for Schimke immuno-osseous dysplasia. Last evaluated: 2024-08-15. Review status: criteria provided, single submitter. Criteria: Invitae Variant Classification Sherloc (09022015). Collection method: clinical testing. Allele origin: germline.
Comment: This sequence change creates a premature translational stop signal (p.Ser774*) in the SMARCAL1 gene. It is expected to result in an absent or disrupted protein product. Loss-of-function variants in SMARCAL1 are known to be pathogenic (PMID: 11799392, 20301550). This variant is present in population databases (rs149425324, gnomAD 0.003%). This premature translational stop signal has been observed in individual(s) with clinical features of Schimke immunoosseous dysplasia (PMID: 11799392). ClinVar contains an entry for this variant (Variation ID: 463148). For these reasons, this variant has been classified as Pathogenic.

Literature cited by the submitters: PubMed 22998683 (cited by Natera, Inc.); PubMed 11799392 (cited by Women's Health and Genetics/Laboratory Corporation of America, LabCorp and Labcorp Genetics (formerly Invitae), Labcorp); PubMed 20301550 (cited by Labcorp Genetics (formerly Invitae), Labcorp).